The following is an entry in ClinVar:

ClinVar aggregate classification (germline): Pathogenic (1 of 4 stars; one submission).

Conditions:
Severe X-linked myotubular myopathy (CNMX). Also called: MYOTUBULAR MYOPATHY 1; Myotubular myopathy, X-linked; X-linked centronuclear myopathy. Identifiers: Orphanet 596, MedGen C0410203, MONDO:0010683, OMIM 310400.

Submission:

Labcorp Genetics (formerly Invitae), Labcorp
Classification: Pathogenic for Severe X-linked myotubular myopathy. Last evaluated: 2023-11-21. Review status: criteria provided, single submitter. Criteria: Invitae Variant Classification Sherloc (09022015). Collection method: clinical testing. Allele origin: unknown.
Comment: A gross deletion of the genomic region encompassing the full coding sequence of the MTM1 gene has been identified. Loss-of-function variants in MTM1 are known to be pathogenic (PMID: 9305655, 10063835). The boundaries of this event are unknown as they extend beyond the assayed region for this gene and therefore may encompass additional genes. A similar copy number variant has been observed in individuals with myotubular myopathy (PMID: 9305655, 10449925, 15725586, 20434914). For these reasons, this variant has been classified as Pathogenic.

Literature cited by the submitters: PubMed 9305655; PubMed 10063835; PubMed 10449925; PubMed 15725586; PubMed 20434914.

NC_000023.10:g.(?_149613783)_(149840068_?)del

Genes: MAMLD1 (mastermind like domain containing 1; plus strand), MTM1 (myotubularin 1; plus strand). Cytogenetic location: Xq28.
Variant type: Deletion.
Identifiers: ClinVar variation 3243921 (VCV003243921.1).